The following is an entry in ClinVar:

ClinVar aggregate classification (germline): Pathogenic/Likely pathogenic. Review status: criteria provided, multiple submitters, no conflicts (2 of 4 stars). 2 submissions from 2 submitters: Pathogenic (1); Likely pathogenic (1). Last evaluated 2024-02-07.

Conditions:
Familial cancer of breast. Also called: hereditary breast carcinoma; Hereditary breast cancer; BREAST CANCER, FAMILIAL. Identifiers: Orphanet 227535, MedGen C0346153, MONDO:0016419, OMIM 114480. Disease mechanism: loss of function.

Submissions (2):

Quest Diagnostics Nichols Institute San Juan Capistrano
Classification: Likely pathogenic. Last evaluated: 2024-02-07. Review status: criteria provided, single submitter. Criteria: Quest Diagnostics criteria. Collection method: clinical testing. Allele origin: unknown.
Comment: The CHEK2 c.1030del (p.Ile344Tyrfs*5) variant alters the translational reading frame of the CHEK2 mRNA and is predicted to cause the premature termination of CHEK2 protein synthesis. This variant has not been reported in individuals with CHEK2-related conditions in the published literature. This variant has not been reported in large, multi-ethnic general populations (Genome Aggregation Database). Based on the available information, this variant is classified as likely pathogenic.

Labcorp Genetics (formerly Invitae), Labcorp
Classification: Pathogenic for Familial cancer of breast. Last evaluated: 2022-04-21. Review status: criteria provided, single submitter. Criteria: Invitae Variant Classification Sherloc (09022015). Collection method: clinical testing. Allele origin: germline.
Comment: This sequence change creates a premature translational stop signal (p.Ile344Tyrfs*5) in the CHEK2 gene. It is expected to result in an absent or disrupted protein product. Loss-of-function variants in CHEK2 are known to be pathogenic (PMID: 21876083, 24713400). For these reasons, this variant has been classified as Pathogenic. This variant has not been reported in the literature in individuals affected with CHEK2-related conditions. This variant is not present in population databases (gnomAD no frequency).

Literature cited by the submitters: PubMed 21876083 (cited by Labcorp Genetics (formerly Invitae), Labcorp); PubMed 24713400 (cited by Labcorp Genetics (formerly Invitae), Labcorp).

NM_007194.4(CHEK2):c.1030del (p.Ile344fs)

Gene: CHEK2 (checkpoint kinase 2; minus strand). Cytogenetic location: 22q12.1.
Variant type: Deletion.
Coding change: c.1030del on transcript NM_007194.4 (MANE Select); coding-DNA position 1030, one base deleted (A; older notation c.1030delA).
Protein change: p.Ile344fs; shifts the reading frame from isoleucine 344.
Molecular consequence: frameshift variant. On other transcripts: intron variant (3).
Genome position (GRCh38, 1-based): chr22:28,696,966, T deleted on the plus strand (A on the coding strand, the reverse complement: CHEK2 is on the minus strand). VCF-style (leftmost placement, unchanged base first): chr22-28696965-AT-A. GRCh37 (hg19) VCF-style: chr22-29092953-AT-A.
Other names: c.1159del, p.Ile387fs (NM_001005735.3); c.367del, p.Ile123fs (NM_001257387.3, NM_001437942.1); c.829del, p.Ile277fs (NM_001349956.3); c.1123del, p.Ile375fs (NM_001438293.1); c.1009-1093del (NM_145862.3); c.1102-1093del (NM_001438295.1); c.1138-1093del (NM_001438294.1); short protein forms I123fs, I344fs, I387fs, I277fs, I375fs.
Identifiers: ClinVar variation 1370887 (VCV001370887.8), dbSNP rs2145817725, ClinGen allele CA2573158006.